The following is an entry in ClinVar:

ClinVar aggregate classification (germline): Uncertain significance (1 of 4 stars; one submission).

Conditions:
Leber congenital amaurosis 3 (LCA3). Also called: SPATA7-Related Retinitis Pigmentosa. Identifiers: MedGen C1858677, MONDO:0011415, OMIM 604232.

gnomAD v4.1: 1 of 1,614,116 alleles (0.000062%); highest among the groups gnomAD compares: Non-Finnish European, 0.000085%; no homozygotes.

Submission:

Labcorp Genetics (formerly Invitae), Labcorp
Classification: Uncertain significance for Leber congenital amaurosis 3. Last evaluated: 2022-03-10. Review status: criteria provided, single submitter. Criteria: Invitae Variant Classification Sherloc (09022015). Collection method: clinical testing. Allele origin: germline.
Comment: In summary, the available evidence is currently insufficient to determine the role of this variant in disease. Therefore, it has been classified as a Variant of Uncertain Significance. This variant has not been reported in the literature in individuals affected with SPATA7-related conditions. This variant is not present in population databases (gnomAD no frequency). This sequence change replaces glycine, which is neutral and non-polar, with arginine, which is basic and polar, at codon 189 of the SPATA7 protein (p.Gly189Arg). Algorithms developed to predict the effect of missense changes on protein structure and function output the following: SIFT: "Tolerated"; PolyPhen-2: "Benign"; Align-GVGD: "Class C0". The arginine amino acid residue is found in multiple mammalian species, which suggests that this missense change does not adversely affect protein function.

NM_018418.5(SPATA7):c.565G>C (p.Gly189Arg)

Gene: SPATA7 (spermatogenesis associated 7; plus strand). Cytogenetic location: 14q31.3.
Variant type: single nucleotide variant.
Coding change: c.565G>C on transcript NM_018418.5 (MANE Select); coding-DNA position 565, G replaced by C.
Protein change: p.Gly189Arg; replaces glycine 189 with arginine.
Molecular consequence: missense variant.
Genome position (GRCh38, 1-based): chr14:88,426,424, G>C. VCF-style: chr14-88426424-G-C. GRCh37 (hg19) VCF-style: chr14-88892768-G-C.
Other names: c.469G>C, p.Gly157Arg (NM_001040428.4); short protein forms G157R, G189R.
Identifiers: ClinVar variation 1481256 (VCV001481256.8), dbSNP rs905542502, ClinGen allele CA390563042.
Genomic context (GRCh38, chr14:88,426,424, plus strand): 5'-ACAAATGGTCCTGAGAAGAACTCCAGTTCCTCCCCGTCCAGTGTGGATTATGCAGCCTCC[G>C]GGCCCCGGAAACTGAGCTCTGGAGCCCTGTATGGCAGAAGGCCCAGAAGCACATTCCCAA-3'
Protein context (NP_060888.2, residues 179-199): SPSSVDYAAS[Gly189Arg]PRKLSSGALY